The following is an entry in ClinVar:

NM_000093.5(COL5A1):c.1432-18C>T

Gene: COL5A1 (collagen type V alpha 1 chain; plus strand). Cytogenetic location: 9q34.3.
Variant type: single nucleotide variant.
Coding change: c.1432-18C>T on transcript NM_000093.5 (MANE Select); 18 bases into the intron before coding-DNA position 1432, C replaced by T.
Molecular consequence: intron variant.
Genome position (GRCh38, 1-based): chr9:134,738,728, C>T. VCF-style: chr9-134738728-C-T. GRCh37 (hg19) VCF-style: chr9-137630574-C-T.
Other names: c.1432-18C>T (NM_001278074.1).
Identifiers: ClinVar variation 509686 (VCV000509686.6), dbSNP rs761261485, ClinGen allele CA5318810.

ClinVar aggregate classification (germline): Likely benign. Review status: criteria provided, multiple submitters, no conflicts (2 of 4 stars). 2 submissions from 2 submitters: Likely benign (2). Last evaluated 2025-05-08.

Conditions:
Ehlers-Danlos syndrome, classic type, 1 (EDSCL1). Also called: EHLERS-DANLOS SYNDROME, GRAVIS TYPE; EHLERS-DANLOS SYNDROME, SEVERE CLASSIC TYPE; EDS I; Ehlers-Danlos Syndrome, Classic Type, COL5A1-Related; Ehlers-Danlos syndrome, type 1. Identifiers: MedGen C0268335, MONDO:0019567, OMIM 130000.

Allele frequency attached by ClinVar (database versions not stated): gnomAD exomes below 0.00001; ExAC 0.00001.

Submissions (2):

Labcorp Genetics (formerly Invitae), Labcorp
Classification: Likely benign for Ehlers-Danlos syndrome, classic type, 1. Last evaluated: 2025-05-08. Review status: criteria provided, single submitter. Criteria: Invitae Variant Classification Sherloc (09022015). Collection method: clinical testing. Allele origin: germline.

GeneDx
Classification: Likely benign. Last evaluated: 2017-05-18. Review status: criteria provided, single submitter. Criteria: GeneDx Variant Classification (06012015). Collection method: clinical testing. Allele origin: germline. Affected: yes.
Comment: This variant is considered likely benign or benign based on one or more of the following criteria: it is a conservative change, it occurs at a poorly conserved position in the protein, it is predicted to be benign by multiple in silico algorithms, and/or has population frequency not consistent with disease.